The following is an entry in ClinVar:

ClinVar aggregate classification (germline): Conflicting classifications of pathogenicity. Review status: criteria provided, conflicting classifications (1 of 4 stars). 6 submissions from 5 submitters: Uncertain significance (1); Benign (4); Likely benign (1). Last evaluated 2026-02-01.

Conditions:
Usher syndrome type 2D. Also called: USHER SYNDROME, TYPE IID. Identifiers: Orphanet 231178, Orphanet 886, MedGen C1568249, MONDO:0012662, OMIM 611383.
Autosomal recessive nonsyndromic hearing loss 31. Also called: WHIRLER, MOUSE, HOMOLOG OF. Identifiers: Orphanet 90636, MedGen C1846839, MONDO:0011767, OMIM 607084.

Allele frequency attached by ClinVar (database versions not stated): gnomAD exomes 0.00131; ExAC 0.00160; 1000 Genomes Project 0.00499; gnomAD 0.00514 and 0.00555; TOPMed 0.00567; 1000 Genomes Project 30x 0.00593; ESP Exome Variant Server 0.00607.
gnomAD v4.1: 1,576 of 1,612,892 alleles (0.098%); highest among the groups gnomAD compares: African/African-American, 1.8%; 14 homozygotes.

Submissions (6):

Labcorp Genetics (formerly Invitae), Labcorp
Classification: Benign. Last evaluated: 2026-02-01. Review status: criteria provided, single submitter. Criteria: Invitae Variant Classification Sherloc (09022015). Collection method: clinical testing. Allele origin: germline.

GeneDx
Classification: Benign. Last evaluated: 2019-04-25. Review status: criteria provided, single submitter. Criteria: GeneDx Variant Classification Process June 2021. Collection method: clinical testing. Allele origin: germline. Affected: yes.

Athena Diagnostics
Classification: Benign. Last evaluated: 2018-11-12. Review status: criteria provided, single submitter. Criteria: Athena Diagnostics Criteria. Collection method: clinical testing. Allele origin: germline.

Illumina Laboratory Services, Illumina
Classification: Likely benign for Usher syndrome type 2D. Last evaluated: 2018-01-13. Review status: criteria provided, single submitter. Criteria: ICSL Variant Classification Criteria 13 December 2019. Collection method: clinical testing. Allele origin: germline.
Comment: This variant was observed in the ICSL laboratory as part of a predisposition screen in an ostensibly healthy population. It had not been previously curated by ICSL or reported in the Human Gene Mutation Database (HGMD: prior to June 1st, 2018), and was therefore a candidate for classification through an automated scoring system. Utilizing variant allele frequency, disease prevalence and penetrance estimates, and inheritance mode, an automated score was calculated to assess if this variant is too frequent to cause the disease. Based on the score and internal cut-off values, a variant classified as likely benign is not then subjected to further curation. The score for this variant resulted in a classification of likely benign for this disease.

Illumina Laboratory Services, Illumina
Classification: Uncertain significance for Autosomal recessive nonsyndromic hearing loss 31. Last evaluated: 2018-01-13. Review status: criteria provided, single submitter. Criteria: ICSL Variant Classification Criteria 13 December 2019. Collection method: clinical testing. Allele origin: germline.

Laboratory for Molecular Medicine, Mass General Brigham Personalized Medicine
Classification: Benign. Last evaluated: 2011-12-21. Review status: criteria provided, single submitter. Criteria: LMM Criteria. Collection method: clinical testing. Allele origin: germline. Observed: 5 variant alleles.
Comment: The Arg682Arg variant is not expected to have clinical significance because it d oes not alter an amino acid residue, is not located within the splice consensus sequence, has been identified in 0.9% (42/4502) of chromosomes from a broad, tho ugh clinically unspecified population (dbSNP rs35258467).

NM_015404.4(WHRN):c.2046G>C (p.Arg682=)

Gene: WHRN (whirlin; minus strand). Cytogenetic location: 9q32.
Variant type: single nucleotide variant.
Coding change: c.2046G>C on transcript NM_015404.4 (MANE Select); coding-DNA position 2046, G replaced by C.
Protein change: p.Arg682=; no amino-acid change (arginine 682 retained).
Molecular consequence: synonymous variant.
Genome position (GRCh38, 1-based): chr9:114,406,545, C>G on the plus strand (G>C on the coding strand, the complement: WHRN is on the minus strand). VCF-style: chr9-114406545-C-G. GRCh37 (hg19) VCF-style: chr9-117168825-C-G.
Other names: c.897G>C, p.Arg299= (NM_001083885.3); c.2046G>C, p.Arg682= (NM_001173425.2); c.993G>C, p.Arg331= (NM_001346890.1).
Identifiers: ClinVar variation 45665 (VCV000045665.20), dbSNP rs35258467, ClinGen allele CA136902.